The following is an entry in ClinVar:

ClinVar aggregate classification (germline): other (0 of 4 stars; one submission).

Conditions:
Entrectinib resistance.

Submission:

Davare Laboratory, Oregon Health & Science University
Classification: other for Entrectinib resistance. Review status: no assertion criteria provided. Collection method: research. Allele origin: somatic. Inheritance: Somatic mutation.
Comment: Kinase domain mutation within ETV6-NTRK3 fusion imposes partial resistance to entrectinib; May induce drug resistance when present in context of ETV6-NTRK3 fusion protein

NM_001012338.3(NTRK3):c.1868G>C (p.Gly623Ala)

Gene: NTRK3 (neurotrophic receptor tyrosine kinase 3; minus strand). Cytogenetic location: 15q25.3.
Variant type: single nucleotide variant.
Coding change: c.1868G>C on transcript NM_001012338.3 (MANE Select); coding-DNA position 1868, G replaced by C.
Protein change: p.Gly623Ala; replaces glycine 623 with alanine.
Molecular consequence: missense variant.
Genome position (GRCh38, 1-based): chr15:87,933,033, C>G on the plus strand (G>C on the coding strand, the complement: NTRK3 is on the minus strand). VCF-style: chr15-87933033-C-G. GRCh37 (hg19) VCF-style: chr15-88476264-C-G.
Other names: c.1844G>C, p.Gly615Ala (NM_001243101.2, NM_001375812.1); c.1574G>C, p.Gly525Ala (NM_001320135.2); c.1868G>C, p.Gly623Ala (NM_001375810.1, NM_001375811.1, NM_002530.4); short protein forms G525A, G615A, G623A.
Identifiers: ClinVar variation 1195986 (VCV001195986.1), dbSNP rs2141954132, ClinGen allele CA393914376.